The following is an entry in ClinVar:

NM_020879.3(CCDC146):c.610dup (p.Ala204fs)

Gene: CCDC146 (coiled-coil domain containing 146; plus strand). Cytogenetic location: 7q11.23.
Variant type: Duplication.
Coding change: c.610dup on transcript NM_020879.3 (MANE Select); coding-DNA position 610, one base duplicated (G; older notation c.610dupG).
Protein change: p.Ala204fs; shifts the reading frame from alanine 204.
Molecular consequence: frameshift variant.
Genome position (GRCh38, 1-based): chr7:77,256,435, G duplicated; the last of 2 consecutive G bases (chr7:77,256,434-77,256,435); duplicating either gives the same sequence. VCF-style (leftmost placement, unchanged base first): chr7-77256433-T-TG. GRCh37 (hg19) VCF-style: chr7-76885750-T-TG.
Other names: c.610dupG (NM_020879.3); short protein forms A204fs.
Identifiers: ClinVar variation 4849312 (VCV004849312.1).
Genomic context (GRCh38, chr7:77,256,433, plus strand): 5'-AAGAATTACGTAAAGAAATAATGCAGAAGAAATTAGAAATTAAAAATTTACGAGAAGATT[T>TG]GGCATCTAAACAAAAGCAATTATTAAAAGAGCAGAAGGAACTAGAAGAATTGTTGGGACA-3'

ClinVar aggregate classification (germline): Likely pathogenic (1 of 4 stars; one submission).

Conditions:
Spermatogenic failure 94. Identifiers: MedGen C5935627, MONDO:0971002, OMIM 620850.

Submission:

First Genomix Gene Laboratory, Genetic Diagnostics Department
Classification: Likely pathogenic for Spermatogenic failure 94. Last evaluated: 2025-07-23. Review status: criteria provided, single submitter. Criteria: ACMG Guidelines, 2015. Collection method: clinical testing. Allele origin: germline. Inheritance: Autosomal recessive inheritance. Affected: no. Observed: 1 variant allele.